The following is an entry in ClinVar:

ClinVar aggregate classification (germline): Likely benign (1 of 4 stars; one submission).

Submission:

GeneDx
Classification: Likely benign. Last evaluated: 2016-12-05. Review status: criteria provided, single submitter. Criteria: GeneDx Variant Classification (06012015). Collection method: clinical testing. Allele origin: germline. Affected: yes.
Comment: This variant is considered likely benign or benign based on one or more of the following criteria: it is a conservative change, it occurs at a poorly conserved position in the protein, it is predicted to be benign by multiple in silico algorithms, and/or has population frequency not consistent with disease.

NM_005120.3(MED12):c.3577+17T>G

Gene: MED12 (mediator complex subunit 12; plus strand). Cytogenetic location: Xq13.1.
Variant type: single nucleotide variant.
Coding change: c.3577+17T>G on transcript NM_005120.3 (MANE Select); 17 bases into the intron after coding-DNA position 3577, T replaced by G.
Molecular consequence: intron variant.
Genome position (GRCh38, 1-based): chrX:71,129,232, T>G. VCF-style: chrX-71129232-T-G. GRCh37 (hg19) VCF-style: chrX-70349082-T-G.
Identifiers: ClinVar variation 391131 (VCV000391131.1), dbSNP rs1057523979, ClinGen allele CA16608911.